The following is an entry in ClinVar:

NM_000426.4(LAMA2):c.8245-172G>T

Genes: LAMA2 (laminin subunit alpha 2; plus strand), LOC126859784 (CDK7 strongly-dependent group 2 enhancer GRCh37_chr6:129822854-129824053; plus strand). Cytogenetic location: 6q22.33.
Variant type: single nucleotide variant.
Coding change: c.8245-172G>T on transcript NM_000426.4 (MANE Select); 172 bases into the intron before coding-DNA position 8245, G replaced by T.
Molecular consequence: intron variant.
Genome position (GRCh38, 1-based): chr6:129,502,487, G>T. VCF-style: chr6-129502487-G-T. GRCh37 (hg19) VCF-style: chr6-129823632-G-T.
Other names: c.8233-172G>T (NM_001079823.2).
Identifiers: ClinVar variation 677666 (VCV000677666.1), dbSNP rs113097046, ClinGen allele CA146923509.

ClinVar aggregate classification (germline): Likely benign (1 of 4 stars; one submission).

Allele frequency attached by ClinVar (database versions not stated): TOPMed 0.00855; 1000 Genomes Project 30x 0.00375; 1000 Genomes Project 0.00439.
gnomAD v4.1: 1,274 of 152,244 alleles (0.84%); highest among the groups gnomAD compares: Non-Finnish European, 1.4%; 10 homozygotes.

Submission:

GeneDx
Classification: Likely benign. Last evaluated: 2018-06-16. Review status: criteria provided, single submitter. Criteria: GeneDx Variant Classification (06012015). Collection method: clinical testing. Allele origin: germline. Affected: yes.
Comment: This variant is considered likely benign or benign based on one or more of the following criteria: it is a conservative change, it occurs at a poorly conserved position in the protein, it is predicted to be benign by multiple in silico algorithms, and/or has population frequency not consistent with disease.